The following is an entry in ClinVar:

ClinVar aggregate classification (germline): Uncertain significance (1 of 4 stars; one submission).

Conditions:
Long QT syndrome (LQTS). Identifiers: MedGen C0023976, MeSH D008133, MONDO:0002442. Disease mechanism: loss of function. Inheritance: Various modes of inheritance.

Allele frequency attached by ClinVar (database versions not stated): gnomAD exomes below 0.00001; TOPMed below 0.00001; gnomAD 0.00001.
gnomAD v4.1: 4 of 1,413,832 alleles (0.00028%); highest among the groups gnomAD compares: Admixed American, 0.0086%; no homozygotes.

Submission:

Labcorp Genetics (formerly Invitae), Labcorp
Classification: Uncertain significance for Long QT syndrome. Last evaluated: 2023-05-16. Review status: criteria provided, single submitter. Criteria: Invitae Variant Classification Sherloc (09022015). Collection method: clinical testing. Allele origin: germline.
Comment: In summary, the available evidence is currently insufficient to determine the role of this variant in disease. Therefore, it has been classified as a Variant of Uncertain Significance. Algorithms developed to predict the effect of missense changes on protein structure and function output the following: SIFT: "Not Available"; PolyPhen-2: "Benign"; Align-GVGD: "Not Available". The leucine amino acid residue is found in multiple mammalian species, which suggests that this missense change does not adversely affect protein function. ClinVar contains an entry for this variant (Variation ID: 1356141). This variant has not been reported in the literature in individuals affected with AKAP9-related conditions. This variant is not present in population databases (gnomAD no frequency). This sequence change replaces serine, which is neutral and polar, with leucine, which is neutral and non-polar, at codon 319 of the AKAP9 protein (p.Ser319Leu).

NM_005751.5(AKAP9):c.956C>T (p.Ser319Leu)

Gene: AKAP9 (A-kinase anchoring protein 9; plus strand). Cytogenetic location: 7q21.2.
Variant type: single nucleotide variant.
Coding change: c.956C>T on transcript NM_005751.5 (MANE Select); coding-DNA position 956, C replaced by T.
Protein change: p.Ser319Leu; replaces serine 319 with leucine.
Molecular consequence: missense variant.
Genome position (GRCh38, 1-based): chr7:92,000,873, C>T. VCF-style: chr7-92000873-C-T. GRCh37 (hg19) VCF-style: chr7-91630187-C-T.
Other names: c.956C>T, p.Ser319Leu (NM_147185.3); short protein forms S319L.
Identifiers: ClinVar variation 1356141 (VCV001356141.6), dbSNP rs1046115717, ClinGen allele CA161906581.
Genomic context (GRCh38, chr7:92,000,873, plus strand): 5'-ATGCCATTCTTACATTTTCATTTTTTTTCCTAAAGGAACAAGATAAAAAAGTAGAAAACT[C>T]AAATAAAGAAGAAATACAGGAAAAGGAGACAATCATTGAAGAATTAAACACAAAAATAAT-3'
Protein context (NP_005742.4, residues 309-329): EMEQDKKVEN[Ser319Leu]NKEEIQEKET